The following is an entry in ClinVar:

NM_004247.4(EFTUD2):c.1595T>G (p.Ile532Ser)

Gene: EFTUD2 (elongation factor Tu GTP binding domain containing 2; minus strand). Cytogenetic location: 17q21.31.
Variant type: single nucleotide variant.
Coding change: c.1595T>G on transcript NM_004247.4 (MANE Select); coding-DNA position 1595, T replaced by G.
Protein change: p.Ile532Ser; replaces isoleucine 532 with serine.
Molecular consequence: missense variant.
Genome position (GRCh38, 1-based): chr17:44,862,725, A>C on the plus strand (T>G on the coding strand, the complement: EFTUD2 is on the minus strand). VCF-style: chr17-44862725-A-C. GRCh37 (hg19) VCF-style: chr17-42940093-A-C.
Other names: c.1490T>G, p.Ile497Ser (NM_001142605.2); c.1595T>G, p.Ile532Ser (NM_001258353.2); c.1565T>G, p.Ile522Ser (NM_001258354.2); short protein forms I497S, I532S, I522S.
Identifiers: ClinVar variation 2700057 (VCV002700057.3), dbSNP rs2508762161, ClinGen allele CA399813357.

ClinVar aggregate classification (germline): Uncertain significance (1 of 4 stars; one submission).

Submission:

Labcorp Genetics (formerly Invitae), Labcorp
Classification: Uncertain significance. Last evaluated: 2023-12-01. Review status: criteria provided, single submitter. Criteria: Invitae Variant Classification Sherloc (09022015). Collection method: clinical testing. Allele origin: germline.
Comment: This sequence change replaces isoleucine, which is neutral and non-polar, with serine, which is neutral and polar, at codon 532 of the EFTUD2 protein (p.Ile532Ser). This variant is not present in population databases (gnomAD no frequency). This variant has not been reported in the literature in individuals affected with EFTUD2-related conditions. Advanced modeling of protein sequence and biophysical properties (such as structural, functional, and spatial information, amino acid conservation, physicochemical variation, residue mobility, and thermodynamic stability) performed at Invitae indicates that this missense variant is expected to disrupt EFTUD2 protein function with a positive predictive value of 80%. In summary, the available evidence is currently insufficient to determine the role of this variant in disease. Therefore, it has been classified as a Variant of Uncertain Significance.